The following is an entry in ClinVar:

NM_000038.6(APC):c.-19+695C>T

Gene: APC (APC regulator of WNT signaling pathway; plus strand). Cytogenetic location: 5q22.2.
Variant type: single nucleotide variant.
Coding change: c.-19+695C>T on transcript NM_000038.6 (MANE Select); 695 bases into the intron after 19 bases upstream of the start codon, C replaced by T.
Molecular consequence: intron variant.
Genome position (GRCh38, 1-based): chr5:112,738,620, C>T. VCF-style: chr5-112738620-C-T. GRCh37 (hg19) VCF-style: chr5-112074317-C-T.
Other names: c.-18-16253C>T (NM_001354895.2); c.166-27706C>T (NM_001354897.2, NM_001354902.2, NM_001127511.3); c.-19+160C>T (NM_001127510.3); c.60+160C>T (NM_001354898.2, NM_001354904.2); c.-1054+695C>T (NM_001354906.2); c.-19+695C>T (NM_001354896.2, NM_001354903.2, NM_001354899.2); c.-43+695C>T (NM_001354900.2, NM_001354901.2, NM_001354905.2).
Identifiers: ClinVar variation 82331 (VCV000082331.2), dbSNP rs76620114, ClinGen allele CA006964.
Genomic context (GRCh38, chr5:112,738,620, plus strand): 5'-GGTGGCAAACAGATACCAGTGTCTTTGTTAGTTACAAAATGCAGTGGTAGTGGCTTTTTG[C>T]GGACGACTGCAGCAGTGCTTTTTCTCCCTCTGTTAGGCCGAAAAGACAACTGCAGAGGAA-3'

ClinVar aggregate classification (germline): other (0 of 4 stars; one submission).

Conditions:
Familial colorectal cancer. Identifiers: MedGen CN280943, MONDO:0023113. Disease mechanism: loss of function.

Allele frequency attached by ClinVar (database versions not stated): TOPMed below 0.00001; gnomAD 0.00001.
gnomAD v4.1: 1 of 152,122 alleles (0.00066%); highest among the groups gnomAD compares: Admixed American, 0.0065%; no homozygotes.

Submission:

Systems Biology Platform Zhejiang California International NanoSystems Institute
Classification: other for Familial colorectal cancer. Review status: no assertion criteria provided. Collection method: not provided. Allele origin: unknown.
ClinVar note: Converted during submission from cancer to other.